The following is an entry in ClinVar:

ClinVar aggregate classification (germline): Likely benign (1 of 4 stars; one submission).

Allele frequency attached by ClinVar (database versions not stated): gnomAD exomes below 0.00001 and 0.00001.
gnomAD v4.1: 8 of 1,614,132 alleles (0.0005%); highest among the groups gnomAD compares: Non-Finnish European, 0.00059%; no homozygotes.

Submission:

GeneDx
Classification: Likely benign. Last evaluated: 2024-07-17. Review status: criteria provided, single submitter. Criteria: GeneDx Variant Classification Process June 2021. Collection method: clinical testing. Allele origin: germline. Affected: yes.
Comment: See Variant Classification Assertion Criteria.

NM_002968.3(SALL1):c.3242T>C (p.Leu1081Ser)

Gene: SALL1 (spalt like transcription factor 1; minus strand). Cytogenetic location: 16q12.1.
Variant type: single nucleotide variant.
Coding change: c.3242T>C on transcript NM_002968.3 (MANE Select); coding-DNA position 3242, T replaced by C.
Protein change: p.Leu1081Ser; replaces leucine 1081 with serine.
Molecular consequence: missense variant.
Genome position (GRCh38, 1-based): chr16:51,138,980, A>G on the plus strand (T>C on the coding strand, the complement: SALL1 is on the minus strand). VCF-style: chr16-51138980-A-G. GRCh37 (hg19) VCF-style: chr16-51172891-A-G.
Other names: c.2951T>C, p.Leu984Ser (NM_001127892.2); short protein forms L1081S, L984S.
Identifiers: ClinVar variation 1217665 (VCV001217665.4), dbSNP rs1241832382, ClinGen allele CA395881184.
Genomic context (GRCh38, chr16:51,138,980, plus strand): 5'-TTACTGTCCTGAGGAGAAACATGCACGAAGCCGTTGACCTCTGTCTTGATGAGAGATGAC[A>G]ACGAGTTGGCGGGAATCACCGCTGAGTTCTGATTGGGGCCAAGGTTGGAACTGGGCTCAA-3'
Protein context (NP_002959.2, residues 1071-1091): QNSAVIPANS[Leu1081Ser]SSLIKTEVNG